The following is an entry in ClinVar:

ClinVar aggregate classification (germline): Uncertain significance (1 of 4 stars; one submission).

Conditions:
Baller-Gerold syndrome (BGS). Also called: CRANIOSYNOSTOSIS WITH RADIAL DEFECTS. Identifiers: Orphanet 1225, MedGen C0265308, MONDO:0009039, OMIM 218600.

Submission:

Labcorp Genetics (formerly Invitae), Labcorp
Classification: Uncertain significance for Baller-Gerold syndrome. Last evaluated: 2021-10-18. Review status: criteria provided, single submitter. Criteria: Invitae Variant Classification Sherloc (09022015). Collection method: clinical testing. Allele origin: germline.
Comment: In summary, the available evidence is currently insufficient to determine the role of this variant in disease. Therefore, it has been classified as a Variant of Uncertain Significance. ClinVar contains an entry for this variant (Variation ID: 841982). This variant has not been reported in the literature in individuals affected with RECQL4-related conditions. This variant is not present in population databases (gnomAD no frequency). This sequence change replaces serine, a(n) neutral and polar amino acid, with tyrosine, a(n) neutral and polar amino acid, at codon 497 of the RECQL4 protein (p.Ser497Tyr).

NM_004260.4(RECQL4):c.1490C>A (p.Ser497Tyr)

Gene: RECQL4 (RecQ like helicase 4; minus strand). Cytogenetic location: 8q24.3.
Variant type: single nucleotide variant.
Coding change: c.1490C>A on transcript NM_004260.4 (MANE Select); coding-DNA position 1490, C replaced by A.
Protein change: p.Ser497Tyr; replaces serine 497 with tyrosine.
Molecular consequence: missense variant.
Genome position (GRCh38, 1-based): chr8:144,515,066, G>T on the plus strand (C>A on the coding strand, the complement: RECQL4 is on the minus strand). VCF-style: chr8-144515066-G-T. GRCh37 (hg19) VCF-style: chr8-145740450-G-T.
Other names: short protein forms S497Y.
Identifiers: ClinVar variation 841982 (VCV000841982.6), dbSNP rs1586815479, ClinGen allele CA372684331.